The following is an entry in ClinVar:

NM_022124.6(CDH23):c.5725A>T (p.Thr1909Ser)

Gene: CDH23 (cadherin related 23; plus strand). Cytogenetic location: 10q22.1.
Variant type: single nucleotide variant.
Coding change: c.5725A>T on transcript NM_022124.6 (MANE Select); coding-DNA position 5725, A replaced by T.
Protein change: p.Thr1909Ser; replaces threonine 1909 with serine.
Molecular consequence: missense variant.
Genome position (GRCh38, 1-based): chr10:71,785,643, A>T. VCF-style: chr10-71785643-A-T. GRCh37 (hg19) VCF-style: chr10-73545400-A-T.
Other names: short protein forms T1909S.
Identifiers: ClinVar variation 2166103 (VCV002166103.24), dbSNP rs2494361833, ClinGen allele CA377147575.

ClinVar aggregate classification (germline): Uncertain significance. Review status: criteria provided, multiple submitters, no conflicts (2 of 4 stars). 2 submissions from 2 submitters: Uncertain significance (2). Last evaluated 2024-10-22.

Submissions (2):

Labcorp Genetics (formerly Invitae), Labcorp
Classification: Uncertain significance. Last evaluated: 2024-10-22. Review status: criteria provided, single submitter. Criteria: Invitae Variant Classification Sherloc (09022015). Collection method: clinical testing. Allele origin: germline.
Comment: This sequence change replaces threonine, which is neutral and polar, with serine, which is neutral and polar, at codon 1909 of the CDH23 protein (p.Thr1909Ser). This variant is not present in population databases (gnomAD no frequency). This variant has not been reported in the literature in individuals affected with CDH23-related conditions. ClinVar contains an entry for this variant (Variation ID: 2166103). Invitae Evidence Modeling of protein sequence and biophysical properties (such as structural, functional, and spatial information, amino acid conservation, physicochemical variation, residue mobility, and thermodynamic stability) has been performed for this missense variant. However, the output from this modeling did not meet the statistical confidence thresholds required to predict the impact of this variant on CDH23 protein function. In summary, the available evidence is currently insufficient to determine the role of this variant in disease. Therefore, it has been classified as a Variant of Uncertain Significance.

CeGaT Center for Human Genetics Tuebingen
Classification: Uncertain significance. Last evaluated: 2024-04-01. Review status: criteria provided, single submitter. Criteria: CeGaT Center For Human Genetics Tuebingen Variant Classification Criteria Version 2. Collection method: clinical testing. Allele origin: germline. Affected: yes. Observed: 1 variant allele.
Comment: CDH23: PM2, BP4